The following is an entry in ClinVar:

ClinVar aggregate classification (germline): Uncertain significance (1 of 4 stars; one submission).

Allele frequency attached by ClinVar (database versions not stated): gnomAD exomes below 0.00001; TOPMed 0.00002; gnomAD 0.00003; ExAC 0.00001.
gnomAD v4.1: 15 of 1,613,808 alleles (0.00093%); highest among the groups gnomAD compares: African/African-American, 0.012%; no homozygotes.

Submission:

Labcorp Genetics (formerly Invitae), Labcorp
Classification: Uncertain significance. Last evaluated: 2022-11-22. Review status: criteria provided, single submitter. Criteria: Invitae Variant Classification Sherloc (09022015). Collection method: clinical testing. Allele origin: germline.
Comment: In summary, the available evidence is currently insufficient to determine the role of this variant in disease. Therefore, it has been classified as a Variant of Uncertain Significance. Advanced modeling of protein sequence and biophysical properties (such as structural, functional, and spatial information, amino acid conservation, physicochemical variation, residue mobility, and thermodynamic stability) performed at Invitae indicates that this missense variant is not expected to disrupt NBAS protein function. ClinVar contains an entry for this variant (Variation ID: 1465431). This variant has not been reported in the literature in individuals affected with NBAS-related conditions. This variant is not present in population databases (gnomAD no frequency). This sequence change replaces proline, which is neutral and non-polar, with serine, which is neutral and polar, at codon 1208 of the NBAS protein (p.Pro1208Ser).

NM_015909.4(NBAS):c.3622C>T (p.Pro1208Ser)

Gene: NBAS (NBAS subunit of NRZ tethering complex; minus strand). Cytogenetic location: 2p24.3.
Variant type: single nucleotide variant.
Coding change: c.3622C>T on transcript NM_015909.4 (MANE Select); coding-DNA position 3622, C replaced by T.
Protein change: p.Pro1208Ser; replaces proline 1208 with serine.
Molecular consequence: missense variant. On other transcripts: non-coding transcript variant (1).
Genome position (GRCh38, 1-based): chr2:15,374,689, G>A on the plus strand (C>T on the coding strand, the complement: NBAS is on the minus strand). VCF-style: chr2-15374689-G-A. GRCh37 (hg19) VCF-style: chr2-15514813-G-A.
Other names: short protein forms P1208S.
Identifiers: ClinVar variation 1465431 (VCV001465431.6), dbSNP rs775875571, ClinGen allele CA1535970.